The following is an entry in ClinVar:

ClinVar aggregate classification (germline): Uncertain significance (1 of 4 stars; one submission).

Conditions:
Dilated cardiomyopathy 1DD (CMD1DD). Identifiers: Orphanet 154, MedGen C2750995, MONDO:0013168, OMIM 613172.

Submission:

Labcorp Genetics (formerly Invitae), Labcorp
Classification: Uncertain significance for Dilated cardiomyopathy 1DD. Last evaluated: 2022-09-09. Review status: criteria provided, single submitter. Criteria: Invitae Variant Classification Sherloc (09022015). Collection method: clinical testing. Allele origin: germline.
Comment: In summary, the available evidence is currently insufficient to determine the role of this variant in disease. Therefore, it has been classified as a Variant of Uncertain Significance. Advanced modeling of protein sequence and biophysical properties (such as structural, functional, and spatial information, amino acid conservation, physicochemical variation, residue mobility, and thermodynamic stability) performed at Invitae indicates that this missense variant is not expected to disrupt RBM20 protein function. ClinVar contains an entry for this variant (Variation ID: 643406). This variant has not been reported in the literature in individuals affected with RBM20-related conditions. This variant is not present in population databases (gnomAD no frequency). This sequence change replaces leucine, which is neutral and non-polar, with phenylalanine, which is neutral and non-polar, at codon 482 of the RBM20 protein (p.Leu482Phe).

NM_001134363.3(RBM20):c.1444C>T (p.Leu482Phe)

Gene: RBM20 (RNA binding motif protein 20; plus strand). Cytogenetic location: 10q25.2.
Variant type: single nucleotide variant.
Coding change: c.1444C>T on transcript NM_001134363.3 (MANE Select); coding-DNA position 1444, C replaced by T.
Protein change: p.Leu482Phe; replaces leucine 482 with phenylalanine.
Molecular consequence: missense variant.
Genome position (GRCh38, 1-based): chr10:110,784,806, C>T. VCF-style: chr10-110784806-C-T. GRCh37 (hg19) VCF-style: chr10-112544564-C-T.
Other names: short protein forms L482F.
Identifiers: ClinVar variation 643406 (VCV000643406.10), dbSNP rs752506719, ClinGen allele CA378388386.
Genomic context (GRCh38, chr10:110,784,806, plus strand): 5'-TGTTACATTCTGGGTTTTCACTGACTTTGTGTAATTCATCATTTAGATTATGCCTCAAAT[C>T]TTGGAACATCATACGTGCCCATTCCAGCAAGGTCATTCACTCAGTCAAGCCCCACATTTC-3'
Protein context (NP_001127835.2, residues 472-492): PAGNEDYASN[Leu482Phe]GTSYVPIPAR